The following is an entry in ClinVar:

ClinVar aggregate classification (germline): Uncertain significance. Review status: criteria provided, multiple submitters, no conflicts (2 of 4 stars). 2 submissions from 2 submitters: Uncertain significance (2). Last evaluated 2024-12-10.

Conditions:
Inborn genetic diseases. Identifiers: MedGen C0950123, MeSH D030342.
Mosaic variegated aneuploidy syndrome 1 (MVA1). Also called: Warburton-Anyane-Yeboa syndrome. Identifiers: Orphanet 1052, MedGen C1850343, MONDO:0009759, OMIM 257300.

Allele frequency attached by ClinVar (database versions not stated): TOPMed below 0.00001; gnomAD exomes 0.00001 and 0.00002; ExAC 0.00002.
gnomAD v4.1: 27 of 1,613,738 alleles (0.0017%); highest among the groups gnomAD compares: Non-Finnish European, 0.0023%; no homozygotes.

Submissions (2):

Ambry Genetics
Classification: Uncertain significance for Inborn genetic diseases. Last evaluated: 2024-12-10. Review status: criteria provided, single submitter. Criteria: Ambry Variant Classification Scheme 2023. Collection method: clinical testing. Allele origin: germline.

Labcorp Genetics (formerly Invitae), Labcorp
Classification: Uncertain significance for Mosaic variegated aneuploidy syndrome 1. Last evaluated: 2019-12-16. Review status: criteria provided, single submitter. Criteria: Invitae Variant Classification Sherloc (09022015). Collection method: clinical testing. Allele origin: germline.
Comment: In summary, the available evidence is currently insufficient to determine the role of this variant in disease. Therefore, it has been classified as a Variant of Uncertain Significance. Algorithms developed to predict the effect of missense changes on protein structure and function (SIFT, PolyPhen-2, Align-GVGD) all suggest that this variant is likely to be disruptive, but these predictions have not been confirmed by published functional studies and their clinical significance is uncertain. This variant has not been reported in the literature in individuals with BUB1B-related conditions. This variant is present in population databases (rs748512524, ExAC 0.004%). This sequence change replaces tyrosine with histidine at codon 115 of the BUB1B protein (p.Tyr115His). The tyrosine residue is highly conserved and there is a moderate physicochemical difference between tyrosine and histidine.

NM_001211.6(BUB1B):c.343T>C (p.Tyr115His)

Gene: BUB1B (BUB1 mitotic checkpoint serine/threonine kinase B; plus strand). Cytogenetic location: 15q15.1.
Variant type: single nucleotide variant.
Coding change: c.343T>C on transcript NM_001211.6 (MANE Select); coding-DNA position 343, T replaced by C.
Protein change: p.Tyr115His; replaces tyrosine 115 with histidine.
Molecular consequence: missense variant.
Genome position (GRCh38, 1-based): chr15:40,170,640, T>C. VCF-style: chr15-40170640-T-C. GRCh37 (hg19) VCF-style: chr15-40462841-T-C.
Other names: short protein forms Y115H.
Identifiers: ClinVar variation 847557 (VCV000847557.10), dbSNP rs748512524, ClinGen allele CA7475456.
Genomic context (GRCh38, chr15:40,170,640, plus strand): 5'-GAGAGTAATATGTCAACGTTATTAGAAAGAGCTGTAGAAGCACTACAAGGAGAAAAACGA[T>C]ATTATAGTGATCCTCGATTTCTCAATCTCTGGCTTAAATTAGTAAGTCTTTCTCAAGTGC-3'
Protein context (NP_001202.5, residues 105-125): AVEALQGEKR[Tyr115His]YSDPRFLNLW